The following is an entry in ClinVar:

NM_000141.5(FGFR2):c.1673-8C>T

Gene: FGFR2 (fibroblast growth factor receptor 2; minus strand). Cytogenetic location: 10q26.13.
Variant type: single nucleotide variant.
Coding change: c.1673-8C>T on transcript NM_000141.5 (MANE Select); 8 bases into the intron before coding-DNA position 1673, C replaced by T.
Molecular consequence: intron variant.
Genome position (GRCh38, 1-based): chr10:121,496,730, G>A on the plus strand (C>T on the coding strand, the complement: FGFR2 is on the minus strand). VCF-style: chr10-121496730-G-A. GRCh37 (hg19) VCF-style: chr10-123256244-G-A.
Other names: c.1337-8C>T (NM_001144914.1); c.1322-8C>T (NM_001144918.2, NM_001441091.1); c.1328-8C>T (NM_001441090.1, NM_001144916.2); c.1400-8C>T (NM_001441089.1); c.1406-8C>T (NM_023029.3, NM_001144915.2); c.1403-8C>T (NM_001441088.1); c.1325-8C>T (NM_001144917.2); c.1667-8C>T (NM_001320658.2); and 4 more.
Identifiers: ClinVar variation 2962540 (VCV002962540.5), dbSNP rs756716480, ClinGen allele CA5720665.
Genomic context (GRCh38, chr10:121,496,730, plus strand): 5'-GTATTCTCGGAGGTTGCCTTTAGAGGCATACTCAACTATGACATAGAGAGGCCCTGTTGA[G>A]GAAGAAGAGAAGCTCCCTAAAGAGAGAATCCAGGGTCTCCCCTTGGGCAATTCAGCAAAA-3'

ClinVar aggregate classification (germline): Likely benign. Review status: criteria provided, single submitter (1 of 4 stars). 2 submissions from 2 submitters: Likely benign (1). 1 of the submissions does not count toward it. Last evaluated 2026-01-05.

Conditions:
FGFR2-related disorder. Identifiers: MedGen CN380096.
FGFR2-related craniosynostosis. Identifiers: MedGen CN231480.

Allele frequency attached by ClinVar (database versions not stated): gnomAD exomes below 0.00001; ExAC 0.00001; gnomAD 0.00003; TOPMed 0.00004.
gnomAD v4.1: 9 of 1,611,326 alleles (0.00056%); highest among the groups gnomAD compares: African/African-American, 0.012%; no homozygotes.

Submissions (2):

Labcorp Genetics (formerly Invitae), Labcorp
Classification: Likely benign for FGFR2-related craniosynostosis. Last evaluated: 2026-01-05. Review status: criteria provided, single submitter. Criteria: Invitae Variant Classification Sherloc (09022015). Collection method: clinical testing. Allele origin: germline.

PreventionGenetics, part of Exact Sciences
Classification: Likely benign for FGFR2-related condition. Last evaluated: 2019-06-17. Review status: no assertion criteria provided. Collection method: clinical testing. Allele origin: germline. Not counted in ClinVar's aggregate classification.
Comment: This variant is classified as likely benign based on ACMG/AMP sequence variant interpretation guidelines (Richards et al. 2015 PMID: 25741868, with internal and published modifications).